The following is an entry in ClinVar:

NM_001018115.3(FANCD2):c.1089C>T (p.Ala363=)

Genes: FANCD2 (FA complementation group D2; plus strand), LOC107303338 (3p25 FANCD2 Alu-mediated recombination region; plus strand). Cytogenetic location: 3p25.3.
Variant type: single nucleotide variant.
Coding change: c.1089C>T on transcript NM_001018115.3 (MANE Select); coding-DNA position 1089, C replaced by T.
Protein change: p.Ala363=; no amino-acid change (alanine 363 retained).
Molecular consequence: synonymous variant.
Genome position (GRCh38, 1-based): chr3:10,043,583, C>T. VCF-style: chr3-10043583-C-T. GRCh37 (hg19) VCF-style: chr3-10085267-C-T.
Other names: c.1089C>T, p.Ala363= (NM_001319984.2, NM_001374253.1, NM_001374254.1 and 1 more transcripts).
Identifiers: ClinVar variation 3355088 (VCV003355088.1).

ClinVar aggregate classification (germline): Likely benign (0 of 4 stars; one submission).

Conditions:
FANCD2-related disorder. Also called: FANCD2-related condition.

gnomAD v4.1: 3 of 1,610,646 alleles (0.00019%); highest among the groups gnomAD compares: East Asian, 0.0067%; no homozygotes.

Submission:

PreventionGenetics, part of Exact Sciences
Classification: Likely benign for FANCD2-related condition. Last evaluated: 2019-10-28. Review status: no assertion criteria provided. Collection method: clinical testing. Allele origin: germline.
Comment: This variant is classified as likely benign based on ACMG/AMP sequence variant interpretation guidelines (Richards et al. 2015 PMID: 25741868, with internal and published modifications).